The following is an entry in ClinVar:

NC_012920.1(MT-TE):m.14729T>C

Gene: MT-TE (mitochondrially encoded tRNA glutamic acid; minus strand).
Variant type: single nucleotide variant.
Genome position: chrM-14729-T-C.
Identifiers: ClinVar variation 690210 (VCV000690210.1), dbSNP rs1603224848, ClinGen allele CA913171936.

ClinVar aggregate classification (germline): Uncertain significance (1 of 4 stars; one submission).

Conditions:
MELAS syndrome (MELAS). Also called: Juvenile myopathy, encephalopathy, lactic acidosis, stroke. Identifiers: Orphanet 550, MedGen C0162671, MONDO:0010789, OMIM 540000.

Submission:

Wong Mito Lab, Molecular and Human Genetics, Baylor College of Medicine
Classification: Uncertain significance for MELAS syndrome. Last evaluated: 2019-07-12. Review status: criteria provided, single submitter. Criteria: Modified ACMG Guidelines (Unpublished). Collection method: clinical testing. Allele origin: germline.
Comment: The NC_012920.1:m.14729T>C variant in MT-TE gene is interpreted to be a Unknown Significance variant based on the modified ACMG guidelines (unpublished). This variant meets the following evidence codes reported in the guidelines: PP7

Literature cited by the submitters: PubMed 31965079.